The following is an entry in ClinVar:

ClinVar aggregate classification (germline): Uncertain significance. Review status: criteria provided, multiple submitters, no conflicts (2 of 4 stars). 2 submissions from 2 submitters: Uncertain significance (2). Last evaluated 2025-12-10.

Conditions:
Inborn genetic diseases. Identifiers: MedGen C0950123, MeSH D030342.

Allele frequency attached by ClinVar (database versions not stated): gnomAD exomes 0.00001.
gnomAD v4.1: 9 of 1,614,120 alleles (0.00056%); highest among the groups gnomAD compares: Non-Finnish European, 0.00076%; no homozygotes.

Submissions (2):

Ambry Genetics
Classification: Uncertain significance for Inborn genetic diseases. Last evaluated: 2025-12-10. Review status: criteria provided, single submitter. Criteria: Ambry Variant Classification Scheme 2023. Collection method: clinical testing. Allele origin: germline.

Labcorp Genetics (formerly Invitae), Labcorp
Classification: Uncertain significance. Last evaluated: 2021-07-14. Review status: criteria provided, single submitter. Criteria: Invitae Variant Classification Sherloc (09022015). Collection method: clinical testing. Allele origin: germline.
Comment: Algorithms developed to predict the effect of missense changes on protein structure and function are either unavailable or do not agree on the potential impact of this missense change (SIFT: "Tolerated"; PolyPhen-2: "Not Available"; Align-GVGD: "Class C0"). In summary, the available evidence is currently insufficient to determine the role of this variant in disease. Therefore, it has been classified as a Variant of Uncertain Significance. This variant has not been reported in the literature in individuals affected with AGTR1-related conditions. This variant is not present in population databases (ExAC no frequency). This sequence change replaces asparagine with lysine at codon 81 of the AGTR1 protein (p.Asn81Lys). The asparagine residue is highly conserved and there is a moderate physicochemical difference between asparagine and lysine.

NM_000685.5(AGTR1):c.138C>G (p.Asn46Lys)

Gene: AGTR1 (angiotensin II receptor type 1; plus strand). Cytogenetic location: 3q24.
Variant type: single nucleotide variant.
Coding change: c.138C>G on transcript NM_000685.5 (MANE Select); coding-DNA position 138, C replaced by G.
Protein change: p.Asn46Lys; replaces asparagine 46 with lysine.
Molecular consequence: missense variant.
Genome position (GRCh38, 1-based): chr3:148,741,173, C>G. VCF-style: chr3-148741173-C-G. GRCh37 (hg19) VCF-style: chr3-148458960-C-G.
Other names: c.138C>G (NM_031850.2); c.138C>G, p.Asn46Lys (NM_001382736.1, NM_001382737.1, NM_004835.5 and 3 more transcripts); short protein forms N46K.
Identifiers: ClinVar variation 1522407 (VCV001522407.9), dbSNP rs1714850901, ClinGen allele CA354885835.